The following is an entry in ClinVar:

ClinVar aggregate classification (germline): Conflicting classifications of pathogenicity. Review status: criteria provided, conflicting classifications (1 of 4 stars). 24 submissions from 22 submitters: Pathogenic (17); Likely pathogenic (1); Uncertain significance (1). 5 of the submissions do not count toward it. Last evaluated 2026-02-16.

Conditions:
Disorders of GNAS Inactivation. Identifiers: MedGen CN381100.
Pseudohypoparathyroidism type I A (PHP1A). Also called: ALBRIGHT HEREDITARY OSTEODYSTROPHY WITH MULTIPLE HORMONE RESISTANCE; Pseudohypoparathyroidism Ia (PHP-Ia); Pseudohypoparathyroidism Type IA; PHP IA; Pseudohypoparathyroidism type 1A. Identifiers: Orphanet 79443, MedGen C3494506, MONDO:0007078, OMIM 103580.
GNAS-related disorder. Identifiers: MedGen CN380105.
ACTH-independent macronodular adrenal hyperplasia 1 (AIMAH1). Also called: ACTH-INDEPENDENT MACRONODULAR ADRENOCORTICAL HYPERPLASIA; ADRENOCORTICOTROPIC HORMONE-INDEPENDENT MACRONODULAR ADRENAL HYPERPLASIA; CORTICOTROPIN-INDEPENDENT MACRONODULAR ADRENAL HYPERPLASIA; CUSHING SYNDROME, ADRENAL, DUE TO AIMAH; ACTH-independent macronodular adrenal hyperplasia, somatic. Identifiers: MedGen C1857451, MONDO:0020735, OMIM 219080.
Progressive osseous heteroplasia (POH). Also called: Progressive Osseus Heteroplasia (POH); ECTOPIC OSSIFICATION, FAMILIAL; Osseus Heteroplasia, Progressive; Osteoma cutis. Identifiers: Orphanet 2762, MedGen C0334041, MONDO:0008153, OMIM 166350, HP:0025027.
McCune-Albright syndrome (MAS). Also called: ALBRIGHT SYNDROME; Albright's Syndrome; McCune-Albright syndrome, somatic, mosaic; Fibrous Dysplasia / McCune-Albright Syndrome; Albright's disease. Identifiers: Orphanet 562, MedGen C0242292, MONDO:0018919, OMIM 174800.
Pituitary adenoma 3, multiple types. Also called: PITUITARY ADENOMA 3, ACTH-SECRETING, SOMATIC; PITUITARY ADENOMA 3, GROWTH HORMONE-SECRETING, SOMATIC. Identifiers: MedGen C4540135, MONDO:0054665, OMIM 617686.
Pseudopseudohypoparathyroidism (PPHP). Also called: ALBRIGHT HEREDITARY OSTEODYSTROPHY WITHOUT MULTIPLE HORMONE RESISTANCE; Pseudopseudohypoparathyroidism (PPHP). Identifiers: Orphanet 79445, MedGen C0033835, MONDO:0012912, OMIM 612463.
Pseudohypoparathyroidism type 1B (PHP1B). Also called: Pseudohypoparathyroidism Ib (PHP-Ib); PHP IB; Pseudohypoparathyroidism Type IB. Identifiers: Orphanet 94089, MedGen C1864100, MONDO:0011301, OMIM 603233.
Pseudohypoparathyroidism type 1C (PHP1C). Also called: Pseudohypoparathyroidism Ic (PHP-Ic); PHP IC; PSEUDOHYPOPARATHYROIDISM, TYPE IC. Identifiers: Orphanet 79444, MedGen C2932716, MONDO:0012911, OMIM 612462.
Pseudohypoparathyroidism (PHP1A). Identifiers: Orphanet 79443, Orphanet 97593, MedGen C0033806, MONDO:0019992, HP:0000852.
Inborn genetic diseases. Identifiers: MedGen C0950123, MeSH D030342.

Submissions 1 to 10 of 24:

PreventionGenetics, part of Exact Sciences
Classification: Pathogenic for GNAS-related condition. Last evaluated: 2026-02-16. Review status: criteria provided, single submitter. Criteria: ACMG Guidelines, 2015. Collection method: clinical testing. Allele origin: germline.
Comment: The GNAS c.565_568delGACT variant is predicted to result in a frameshift and premature protein termination (p.Asp189Metfs*14). This variant has been reported in many unrelated individuals with either progressive osseous heteroplasia (POH) or pseudohypoparathyroidism type 1a (PHP1a) (see for example: Lebrun et al. 2010. PubMed ID: 20427508; Salemi et al. 2018. PubMed ID: 29059381; Inta et al. 2014. PubMed ID: 24481334). In several of these patients, this variant was found to occur de novo (Lebrun et al. 2010. PubMed ID: 20427508; Crane et al. 2019. PubMed ID: 31793173). This variant has not been reported in a large population database (gnomAD), indicating this variant is rare. Frameshift variants in GNAS are expected to be pathogenic. This variant is interpreted as pathogenic.

Labcorp Genetics (formerly Invitae), Labcorp
Classification: Pathogenic. Last evaluated: 2025-11-25. Review status: criteria provided, single submitter. Criteria: Invitae Variant Classification Sherloc (09022015). Collection method: clinical testing. Allele origin: germline.
Comment: This sequence change creates a premature translational stop signal (p.Asp189Metfs*14) in the GNAS gene. It is expected to result in an absent or disrupted protein product. Loss-of-function variants in GNAS are known to be pathogenic (PMID: 11784876, 23281139, 23796510, 25802881). This variant is not present in population databases (gnomAD no frequency). This premature translational stop signal has been observed in individual(s) with GNAS-related conditions (PMID: 20427508). In at least one individual the variant was observed to be de novo. ClinVar contains an entry for this variant (Variation ID: 15938). For these reasons, this variant has been classified as Pathogenic.

3billion
Classification: Pathogenic for GNAS-related disorder. Last evaluated: 2025-10-31. Review status: criteria provided, single submitter. Criteria: ACMG Guidelines, 2015. Collection method: clinical testing. Allele origin: germline. Affected: yes.
Comment: The variant is observed at an extremely low frequency in the gnomAD v4.1.0 dataset (total allele frequency: <0.001%). Predicted Consequence/Location: Frameshift: predicted to result in a loss or disruption of normal protein function through nonsense-mediated decay (NMD) or protein truncation. Multiple pathogenic variants are reported downstream of the variant. The variant has been reported at least twice as pathogenic with clinical assertions and evidence for the classification (ClinVar ID: VCV000015938 /PMID: 1505964 /3billion dataset). Therefore, this variant is classified as Pathogenic according to the recommendation of ACMG/AMP guideline.

Centre of Medical Genetics, University Hospital Muenster
Classification: Pathogenic. Last evaluated: 2025-07-28. Review status: criteria provided, single submitter. Criteria: ACMG Guidelines, 2015. Collection method: clinical testing. Allele origin: unknown. Affected: yes. Observed: 1 variant allele, 1 heterozygote.
Comment: ACMG categories: PVS1,PS4_sup,PM2_sup

Genetics and Genomic Medicine Centre, NeuroGen Healthcare, NeuroGen Healthcare
Classification: Uncertain significance for Pseudohypoparathyroidism type 1C. Last evaluated: 2025-07-01. Review status: criteria provided, single submitter. Criteria: ACMG Guidelines, 2015. Collection method: clinical testing. Allele origin: unknown. Affected: yes.

Medical Genetics and Prenatal Diagnosis Center, Guangxi Academy of Medical Sciences and the People’s Hospital of Guangxi Zhuang Autonomous Region
Classification: Pathogenic for Pseudopseudohypoparathyroidism. Last evaluated: 2025-07-01. Review status: criteria provided, single submitter. Criteria: ACMG Guidelines, 2015. Collection method: clinical testing. Allele origin: de novo. Affected: yes.
Comment: NM_000516.7(GNAS):c.565_568del is a frameshift mutation predicted to cause premature termination of protein synthesis. Loss-of-function is a known pathogenic mechanism for GNAS-associated Pseudopseudohypoparathyroidism (PVS1); literature reports higher frequencies of this variant in patients than controls, with detection in multiple unrelated cases of osteodystrophy [PMID: 1505964, 18553568] (PS4). The gnomAD database does not report population frequency for this variant (PM2_Supporting). In summary, based on evidence from the ACMG Guidelines, 2015 (PMID: 25741868), the above supports pathogenicity for Pseudopseudohypoparathyroidism, classified as PVS1, PS4, and PM2_Supporting.

Rady Children's Institute for Genomic Medicine, Rady Children's Hospital San Diego
Classification: Pathogenic for GNAS-related disorders. Last evaluated: 2025-03-21. Review status: criteria provided, single submitter. Criteria: ACMG Guidelines, 2015. Collection method: clinical testing. Allele origin: germline. Affected: yes.
Comment: This variant is also referred to as c.565_568del (p.Asp189fs) on an alternate transcript (NM_000516.7). This frameshifting variant in exon 7 of 13 is predicted to result in loss of normal protein function through either protein truncation or nonsense-mediated mRNA decay. The GNAS gene is constrained against variation (Z-score= 4.84 and pLI = 1), and loss-of-function variants are an established mechanism of disease (PMID: 29072892). This variant has been previously reported as a de novo heterozygous change in multiple patients with GNAS-related disorders (PMID: 20427508, 38702915, 38274377, 18553568). The c.2494_2497del (p.Asp832MetfsTer14) variant is absent from the latest version of the gnomAD population database and thus is presumed to be rare. Based on parental analysis, this variant likely occurred as a de novo event. Based on the available evidence, c.2494_2497del (p.Asp832MetfsTer14) is classified as Pathogenic.

Suzhou Clinical Center for Rare Diseases in Children, Children's Hospital of Soochow University
Classification: Likely pathogenic for Pseudohypoparathyroidism type I A. Last evaluated: 2024-09-01. Review status: criteria provided, single submitter. Criteria: ACMG Guidelines, 2015. Collection method: clinical testing. Allele origin: maternal. Affected: yes.
Comment: The NM_000516.7:c.563_566del (p.Asp189MetfsTer14) variant of GNAS is a frameshift variant that may lead to premature termination and NMD (PVS1). This variant is not recorded in the gnomAD database concerning its frequency in the population (PM2_supporting). According to the ACMG guidelines, this variant is classified as likely pathogenic (PVS1+PM2_supporting).

Institute of Human Genetics, Heidelberg University
Classification: Pathogenic for Progressive osseous heteroplasia. Last evaluated: 2024-07-05. Review status: criteria provided, single submitter. Criteria: ACMG Guidelines, 2015. Collection method: clinical testing. Allele origin: germline. Affected: yes.

Blueprint Genetics
Classification: Pathogenic for GNAS-related disorders. Last evaluated: 2024-01-02. Review status: criteria provided, single submitter. Criteria: ACMG Guidelines, 2015. Collection method: clinical testing. Allele origin: germline. Affected: yes. Observed: 5 variant alleles.

NM_000516.7(GNAS):c.565_568del (p.Asp189fs)

Gene: GNAS (GNAS complex locus; plus strand). Cytogenetic location: 20q13.32.
Variant type: Deletion.
Coding change: c.565_568del on transcript NM_000516.7 (MANE Select); coding-DNA positions 565 to 568, 4 bases deleted (GACT; older notation c.565_568delGACT).
Protein change: p.Asp189fs; shifts the reading frame from aspartic acid 189.
Molecular consequence: frameshift variant. On other transcripts: 3 prime UTR variant (2).
Genome position (GRCh38, 1-based): chr20:58,909,196-58,909,199, GACT deleted; deleting any 4 consecutive bases within chr20:58,909,194-58,909,199 gives the same sequence; the c. name uses the placement nearest the transcript's 3' end. VCF-style (leftmost placement, unchanged base first): chr20-58909193-GCTGA-G. GRCh37 (hg19) VCF-style: chr20-57484248-GCTGA-G.
Other names: D189MfsX14; c.2494_2497del (NM_080425.3); c.563_566del (NM_000516.7); c.565_568delGACT (NM_000516.4); c.568_571del, p.Asp190fs (NM_001077488.5); c.520_523del, p.Asp174fs (NM_001077489.4); c.*426_*429del (NM_001077490.3); c.388_391del, p.Asp130fs (NM_001309840.2, NM_001309861.2); and 4 more; short protein forms D130fs, D174fs, D175fs, D189fs, D190fs, D832fs.
Identifiers: ClinVar variation 15938 (VCV000015938.32), dbSNP rs587776829, ClinGen allele CA126088.